The following is an entry in ClinVar:

ClinVar aggregate classification (germline): Uncertain significance (0 of 4 stars; one submission).

Conditions:
CD36-related disorder. Also called: CD36-related condition; CD36-related disorders.

gnomAD v4.1: 4 of 1,593,944 alleles (0.00025%); highest among the groups gnomAD compares: African/African-American, 0.0013%; no homozygotes.

Submission:

PreventionGenetics, part of Exact Sciences
Classification: Uncertain significance for CD36-related condition. Last evaluated: 2024-03-15. Review status: no assertion criteria provided. Collection method: clinical testing. Allele origin: germline.
Comment: The CD36 c.1126-7T>G variant is predicted to interfere with splicing. To our knowledge, this variant has not been reported in the literature or in a large population database, indicating this variant is rare. At this time, the clinical significance of this variant is uncertain due to the absence of conclusive functional and genetic evidence.

NM_001001548.3(CD36):c.1126-7T>G

Gene: CD36 (CD36 molecule (CD36 blood group); plus strand). Cytogenetic location: 7q21.11.
Variant type: single nucleotide variant.
Coding change: c.1126-7T>G on transcript NM_001001548.3 (MANE Select); 7 bases into the intron before coding-DNA position 1126, T replaced by G.
Molecular consequence: intron variant.
Genome position (GRCh38, 1-based): chr7:80,672,763, T>G. VCF-style: chr7-80672763-T-G. GRCh37 (hg19) VCF-style: chr7-80302079-T-G.
Other names: c.1126-7T>G (NM_001371075.1, NM_001001547.3, NM_001371074.1 and 5 more transcripts); c.661-7T>G (NM_001371081.1, NM_001371080.1); c.898-7T>G (NM_001289911.2); c.1024-7T>G (NM_001371079.1); c.946-7T>G (NM_001289909.1); c.1009-7T>G (NM_001289908.1).
Identifiers: ClinVar variation 3349152 (VCV003349152.1).